The following is an entry in ClinVar:

ClinVar aggregate classification (germline): Uncertain significance (1 of 4 stars; one submission).

Conditions:
Hereditary cancer-predisposing syndrome. Also called: Neoplastic Syndromes, Hereditary; Tumor predisposition; Hereditary neoplastic syndrome; Hereditary Cancer Syndrome. Identifiers: Orphanet 140162, MedGen C0027672, MeSH D009386, MONDO:0015356.
Cardiovascular phenotype. Identifiers: MedGen CN230736.

Submission:

Ambry Genetics
Classification: Uncertain significance for Cardiovascular phenotype; Hereditary cancer-predisposing syndrome. Last evaluated: 2023-08-17. Review status: criteria provided, single submitter. Criteria: Ambry Variant Classification Scheme 2023. Collection method: clinical testing. Allele origin: germline.
Comment: The p.V110I variant (also known as c.328G>A), located in coding exon 4 of the NF1 gene, results from a G to A substitution at nucleotide position 328. The valine at codon 110 is replaced by isoleucine, an amino acid with highly similar properties. This amino acid position is highly conserved in available vertebrate species. In addition, the in silico prediction for this alteration is inconclusive. Since supporting evidence is limited at this time, the clinical significance of this alteration remains unclear.

NM_001042492.3(NF1):c.328G>A (p.Val110Ile)

Gene: NF1 (neurofibromin 1; plus strand). Cytogenetic location: 17q11.2.
Variant type: single nucleotide variant.
Coding change: c.328G>A on transcript NM_001042492.3 (MANE Select); coding-DNA position 328, G replaced by A.
Protein change: p.Val110Ile; replaces valine 110 with isoleucine.
Molecular consequence: missense variant.
Genome position (GRCh38, 1-based): chr17:31,163,225, G>A. VCF-style: chr17-31163225-G-A. GRCh37 (hg19) VCF-style: chr17-29490243-G-A.
Other names: c.328G>A, p.Val110Ile (NM_000267.4, NM_001128147.3); short protein forms V110I.
Identifiers: ClinVar variation 3237722 (VCV003237722.1), dbSNP rs2143671044.